The following is an entry in ClinVar:

ClinVar aggregate classification (germline): Pathogenic (1 of 4 stars; one submission).

Conditions:
Autosomal recessive limb-girdle muscular dystrophy. Identifiers: Orphanet 102015, MedGen C2931907, MONDO:0015152.

Submission:

Women's Health and Genetics/Laboratory Corporation of America, LabCorp
Classification: Pathogenic for Autosomal recessive limb-girdle muscular dystrophy. Last evaluated: 2024-10-14. Review status: criteria provided, single submitter. Criteria: LabCorp Variant Classification Summary - May 2015. Collection method: clinical testing. Allele origin: germline.
Comment: Variant summary: TRIM32 c.564T>A (p.Tyr188X) results in a premature termination codon, predicted to cause a truncation of the encoded protein or absence of the protein. Variants downstream of this position have been classified as pathogenic by our laboratory and in ClinVar. The variant was absent in 251276 control chromosomes. To our knowledge, no occurrence of c.564T>A in individuals affected with Autosomal Recessive Limb-Girdle Muscular Dystrophy and no experimental evidence demonstrating its impact on protein function have been reported. No submitters have cited clinical-significance assessments for this variant to ClinVar. Based on the evidence outlined above, the variant was classified as pathogenic.

NM_012210.4(TRIM32):c.564T>A (p.Tyr188Ter)

Genes: TRIM32 (tripartite motif containing 32; plus strand), ASTN2 (astrotactin 2; minus strand). Cytogenetic location: 9q33.1.
Variant type: single nucleotide variant.
Coding change: c.564T>A on transcript NM_012210.4 (MANE Select); coding-DNA position 564, T replaced by A.
Protein change: p.Tyr188Ter; replaces tyrosine 188 with a stop codon.
Molecular consequence: nonsense. On other transcripts: intron variant (3).
Genome position (GRCh38, 1-based): chr9:116,698,306, T>A. VCF-style: chr9-116698306-T-A. GRCh37 (hg19) VCF-style: chr9-119460585-T-A.
Other names: c.564T>A, p.Tyr188Ter (NM_001099679.2, NM_001379048.1, NM_001379049.1 and 1 more transcripts); c.2653+27465A>T (NM_014010.5); c.2794+27465A>T (NM_001365069.1); c.2806+27465A>T (NM_001365068.1); short protein forms Y188*.
Identifiers: ClinVar variation 3384692 (VCV003384692.1).
Genomic context (GRCh38, chr9:116,698,306, plus strand): 5'-AGCCTTGGAAGGTGTCTCCAAGGACCTTCAGGCAAGGTATAAAGCAGTTCTCCAGGAGTA[T>A]GGGCATGAGGAGCGCAGGGTCCAGGATGAGCTGGCTCGCTCTCGGAAGTTCTTCACAGGC-3'